The following is an entry in ClinVar:

NM_001365951.3(KIF1B):c.665C>T (p.Thr222Met)

Gene: KIF1B (kinesin family member 1B; plus strand). Cytogenetic location: 1p36.22.
Variant type: single nucleotide variant.
Coding change: c.665C>T on transcript NM_001365951.3 (MANE Select); coding-DNA position 665, C replaced by T.
Protein change: p.Thr222Met; replaces threonine 222 with methionine.
Molecular consequence: missense variant.
Genome position (GRCh38, 1-based): chr1:10,268,208, C>T. VCF-style: chr1-10268208-C-T. GRCh37 (hg19) VCF-style: chr1-10328266-C-T.
Other names: c.665C>T, p.Thr222Met (NM_001365952.1, NM_001365953.1, NM_015074.3 and 1 more transcripts); short protein forms T222M.
Identifiers: ClinVar variation 1052447 (VCV001052447.12), dbSNP rs2102206895, ClinGen allele CA338330409.

ClinVar aggregate classification (germline): Uncertain significance. Review status: criteria provided, multiple submitters, no conflicts (2 of 4 stars). 2 submissions from 2 submitters: Uncertain significance (2). Last evaluated 2025-11-20.

Conditions:
Charcot-Marie-Tooth disease type 2. Also called: Charcot-Marie-Tooth type 2. Identifiers: Orphanet 64746, MedGen C0270914, MONDO:0018993.

gnomAD v4.1: 1 of 1,613,932 alleles (0.000062%); highest among the groups gnomAD compares: Non-Finnish European, 0.000085%; no homozygotes.

Submissions (2):

Ambry Genetics
Classification: Uncertain significance. Last evaluated: 2025-11-20. Review status: criteria provided, single submitter. Criteria: Ambry Variant Classification Scheme 2023. Collection method: clinical testing. Allele origin: germline.

Labcorp Genetics (formerly Invitae), Labcorp
Classification: Uncertain significance for Charcot-Marie-Tooth disease type 2. Last evaluated: 2025-02-03. Review status: criteria provided, single submitter. Criteria: Invitae Variant Classification Sherloc (09022015). Collection method: clinical testing. Allele origin: germline.
Comment: This sequence change replaces threonine, which is neutral and polar, with methionine, which is neutral and non-polar, at codon 222 of the KIF1B protein (p.Thr222Met). This variant is not present in population databases (gnomAD no frequency). This variant has not been reported in the literature in individuals affected with KIF1B-related conditions. ClinVar contains an entry for this variant (Variation ID: 1052447). Invitae Evidence Modeling of protein sequence and biophysical properties (such as structural, functional, and spatial information, amino acid conservation, physicochemical variation, residue mobility, and thermodynamic stability) indicates that this missense variant is not expected to disrupt KIF1B protein function with a negative predictive value of 80%. In summary, the available evidence is currently insufficient to determine the role of this variant in disease. Therefore, it has been classified as a Variant of Uncertain Significance.